The following is an entry in ClinVar:

NM_001330311.2(DVL1):c.172G>A (p.Val58Met)

Gene: DVL1 (dishevelled segment polarity protein 1; minus strand). Cytogenetic location: 1p36.33.
Variant type: single nucleotide variant.
Coding change: c.172G>A on transcript NM_001330311.2 (MANE Select); coding-DNA position 172, G replaced by A.
Protein change: p.Val58Met; replaces valine 58 with methionine.
Molecular consequence: missense variant.
Genome position (GRCh38, 1-based): chr1:1,342,757, C>T on the plus strand (G>A on the coding strand, the complement: DVL1 is on the minus strand). VCF-style: chr1-1342757-C-T. GRCh37 (hg19) VCF-style: chr1-1278137-C-T.
Other names: c.172G>A, p.Val58Met (NM_004421.3); short protein forms V58M.
Identifiers: ClinVar variation 3086376 (VCV003086376.4), dbSNP rs1643868188, ClinGen allele CA337876982.

ClinVar aggregate classification (germline): Conflicting classifications of pathogenicity. Review status: criteria provided, conflicting classifications (1 of 4 stars). 3 submissions from 3 submitters: Uncertain significance (2); Likely benign (1). Last evaluated 2024-12-03.

Conditions:
Inborn genetic diseases. Identifiers: MedGen C0950123, MeSH D030342.

gnomAD v4.1: 1 of 1,612,884 alleles (0.000062%); no homozygotes.

Submissions (3):

Labcorp Genetics (formerly Invitae), Labcorp
Classification: Uncertain significance. Last evaluated: 2024-12-03. Review status: criteria provided, single submitter. Criteria: Invitae Variant Classification Sherloc (09022015). Collection method: clinical testing. Allele origin: germline.
Comment: This sequence change replaces valine, which is neutral and non-polar, with methionine, which is neutral and non-polar, at codon 58 of the DVL1 protein (p.Val58Met). This variant is not present in population databases (gnomAD no frequency). This variant has not been reported in the literature in individuals affected with DVL1-related conditions. ClinVar contains an entry for this variant (Variation ID: 3086376). An algorithm developed to predict the effect of missense changes on protein structure and function (PolyPhen-2) suggests that this variant is likely to be disruptive. In summary, the available evidence is currently insufficient to determine the role of this variant in disease. Therefore, it has been classified as a Variant of Uncertain Significance.

Blueprint Genetics
Classification: Likely benign. Last evaluated: 2024-04-30. Review status: criteria provided, single submitter. Criteria: ACMG Guidelines, 2015. Collection method: clinical testing. Allele origin: germline.

Ambry Genetics
Classification: Uncertain significance for Inborn genetic diseases. Last evaluated: 2024-03-07. Review status: criteria provided, single submitter. Criteria: Ambry Variant Classification Scheme 2023. Collection method: clinical testing. Allele origin: germline.